The following is an entry in ClinVar:

NM_000548.5(TSC2):c.4882_4900del (p.Lys1628fs)

Gene: TSC2 (TSC complex subunit 2; plus strand). Cytogenetic location: 16p13.3.
Variant type: Deletion.
Coding change: c.4882_4900del on transcript NM_000548.5 (MANE Select); coding-DNA positions 4882 to 4900, 19 bases deleted (AAGGACGTGGACAAGCACC).
Protein change: p.Lys1628fs; shifts the reading frame from lysine 1628.
Molecular consequence: frameshift variant.
Genome position (GRCh38, 1-based): chr16:2,086,764-2,086,782, AAGGACGTGGACAAGCACC deleted; deleting any 19 consecutive bases within chr16:2,086,760-2,086,782 gives the same sequence; the c. name uses the placement nearest the transcript's 3' end. VCF-style (leftmost placement, unchanged base first): chr16-2086759-CCACCAAGGACGTGGACAAG-C. GRCh37 (hg19) VCF-style: chr16-2136760-CCACCAAGGACGTGGACAAG-C.
Other names: c.4681_4699del, p.Lys1561fs (NM_001077183.3); c.4813_4831del, p.Lys1605fs (NM_001114382.3); c.4573_4591del, p.Lys1525fs (NM_001318827.2); c.4537_4555del, p.Lys1513fs (NM_001318829.2); c.4150_4168del, p.Lys1384fs (NM_001318831.2); c.4714_4732del, p.Lys1572fs (NM_001318832.2); c.4684_4702del, p.Lys1562fs (NM_001363528.2); c.4750_4768del, p.Lys1584fs (NM_001370404.1); and 1 more; short protein forms K1384fs, K1513fs, K1562fs, K1605fs, K1572fs, K1584fs, K1628fs, K1561fs.
Identifiers: ClinVar variation 1350914 (VCV001350914.6), dbSNP rs2151585074, ClinGen allele CA2573151955.
Genomic context (GRCh38, chr16:2,086,759, plus strand): 5'-CCCACAAACCCATCCGGCCCTGCTCACCCTCAGCCGTCTTCCACATCGCCACCCTGATGC[CCACCAAGGACGTGGACAAG>C]CACCGCTGCGACAAGAAGCGCCACCTGGGCAACGACTTTGTGTCCATTGTCTACAATGAC-3'

ClinVar aggregate classification (germline): Pathogenic (1 of 4 stars; one submission).

Conditions:
Tuberous sclerosis 2 (TSC2). Identifiers: Orphanet 805, MedGen C1860707, MONDO:0013199, OMIM 613254.

Submission:

Labcorp Genetics (formerly Invitae), Labcorp
Classification: Pathogenic for Tuberous sclerosis 2. Last evaluated: 2024-10-30. Review status: criteria provided, single submitter. Criteria: Invitae Variant Classification Sherloc (09022015). Collection method: clinical testing. Allele origin: germline.
Comment: This sequence change creates a premature translational stop signal (p.Lys1628Alafs*38) in the TSC2 gene. It is expected to result in an absent or disrupted protein product. Loss-of-function variants in TSC2 are known to be pathogenic (PMID: 10205261, 17304050). This variant is not present in population databases (gnomAD no frequency). This variant has not been reported in the literature in individuals affected with TSC2-related conditions. ClinVar contains an entry for this variant (Variation ID: 1350914). For these reasons, this variant has been classified as Pathogenic.

Literature cited by the submitters: PubMed 10205261; PubMed 17304050.